The following is an entry in ClinVar:

ClinVar aggregate classification (germline): Uncertain significance (3 of 4 stars; one submission).

Conditions:
Open-angle glaucoma. Identifiers: MedGen C0017612, MONDO:0005338, HP:0012108.

Allele frequency attached by ClinVar (database versions not stated): ExAC 0.00002; gnomAD exomes 0.00002; TOPMed 0.00002.
gnomAD v4.1: 26 of 1,614,200 alleles (0.0016%); highest among the groups gnomAD compares: Admixed American, 0.0083%; no homozygotes.

Submission:

ClinGen Glaucoma Variant Curation Expert Panel
Classification: Uncertain significance for Open-angle glaucoma. Last evaluated: 2025-11-12. Review status: reviewed by expert panel. Criteria: ClinGen Glaucoma ACMG Specifications V2.0.0 Approved. Collection method: curation. Allele origin: germline. Inheritance: Autosomal dominant inheritance.
Comment: The c.20G>A variant in MYOC is a missense variant predicted to cause substitution of Arginine by Histidine at amino acid 7 (p.Arg7His). The highest minor allele frequency of this variant was in the Admixed American genetic ancestry group of gnomAD (v4.1.0) = 0.00008331 (5 alleles out of 60,014), which met the ≤ 0.0001 threshold set for PM2_Supporting in a genetic ancestry group of at least 10,000 alleles. The REVEL score = 0.099, which was within the 0.017-0.183 range for BP4_Moderate, suggesting that the variant does not impact MYOC function. There was no functional evidence predicting a damaging or benign impact of this variant on MYOC function. Only 1 proband with primary open angle glaucoma had been reported (PMID: 20668460), not meeting the ≥ 2 probands threshold required to meet PS4_Supporting. In summary, this variant met the criteria to receive a score of -1 and to be classified as a variant of uncertain significance (uncertain significance classification range -1 to 5, adapted from PMID: 32720330) for primary open angle glaucoma based on the ACMG/AMP criteria met, as specified by the ClinGen Glaucoma VCEP (v2.0.0, 5 Dec 2024): BP4_Moderate, PM2_Supporting.

NM_000261.2(MYOC):c.20G>A (p.Arg7His)

Gene: MYOC (myocilin; minus strand). Cytogenetic location: 1q24.3.
Variant type: single nucleotide variant.
Coding change: c.20G>A on transcript NM_000261.2 (MANE Select); coding-DNA position 20, G replaced by A.
Protein change: p.Arg7His; replaces arginine 7 with histidine.
Molecular consequence: missense variant.
Genome position (GRCh38, 1-based): chr1:171,652,592, C>T on the plus strand (G>A on the coding strand, the complement: MYOC is on the minus strand). VCF-style: chr1-171652592-C-T. GRCh37 (hg19) VCF-style: chr1-171621732-C-T.
Other names: NM_000261.2:c.20G>A; short protein forms R7H.
Identifiers: ClinVar variation 1703212 (VCV001703212.2), dbSNP rs767625681, ClinGen allele CA1244346.